The following is an entry in ClinVar:

NM_018897.3(DNAH7):c.1202G>T (p.Gly401Val)

Gene: DNAH7 (dynein axonemal heavy chain 7; minus strand). Cytogenetic location: 2q32.3.
Variant type: single nucleotide variant.
Coding change: c.1202G>T on transcript NM_018897.3 (MANE Select); coding-DNA position 1202, G replaced by T.
Protein change: p.Gly401Val; replaces glycine 401 with valine.
Molecular consequence: missense variant.
Genome position (GRCh38, 1-based): chr2:196,000,855, C>A on the plus strand (G>T on the coding strand, the complement: DNAH7 is on the minus strand). VCF-style: chr2-196000855-C-A. GRCh37 (hg19) VCF-style: chr2-196865579-C-A.
Other names: short protein forms G401V.
Identifiers: ClinVar variation 3039954 (VCV003039954.2), dbSNP rs114266575, ClinGen allele CA2036711.

ClinVar aggregate classification (germline): Likely benign (0 of 4 stars; one submission).

Conditions:
DNAH7-related disorder. Also called: DNAH7-related condition.

Allele frequency attached by ClinVar (database versions not stated): ExAC 0.00045; ESP Exome Variant Server 0.00127; 1000 Genomes Project 0.00140; gnomAD 0.00156; 1000 Genomes Project 30x 0.00203.
gnomAD v4.1: 538 of 1,582,058 alleles (0.034%); highest among the groups gnomAD compares: African/African-American, 0.56%; 1 homozygote.

Submission:

PreventionGenetics, part of Exact Sciences
Classification: Likely benign for DNAH7-related condition. Last evaluated: 2022-11-11. Review status: no assertion criteria provided. Collection method: clinical testing. Allele origin: germline.
Comment: This variant is classified as likely benign based on ACMG/AMP sequence variant interpretation guidelines (Richards et al. 2015 PMID: 25741868, with internal and published modifications).